The following is an entry in ClinVar:

NM_001371928.1(AHDC1):c.3191C>T (p.Ser1064Leu)

Gene: AHDC1 (AT-hook DNA binding motif containing 1; minus strand). Cytogenetic location: 1p36.11.
Variant type: single nucleotide variant.
Coding change: c.3191C>T on transcript NM_001371928.1 (MANE Select); coding-DNA position 3191, C replaced by T.
Protein change: p.Ser1064Leu; replaces serine 1064 with leucine.
Molecular consequence: missense variant.
Genome position (GRCh38, 1-based): chr1:27,548,925, G>A on the plus strand (C>T on the coding strand, the complement: AHDC1 is on the minus strand). VCF-style: chr1-27548925-G-A. GRCh37 (hg19) VCF-style: chr1-27875436-G-A.
Other names: c.3191C>T, p.Ser1064Leu (NM_001029882.3); short protein forms S1064L.
Identifiers: ClinVar variation 4074647 (VCV004074647.1).
Genomic context (GRCh38, chr1:27,548,925, plus strand): 5'-GCAGAGGCTGCAGAGGTGGCAGAGGCTGTGGTGCCCTTGGGTACCATGTAGCCACCGGGC[G>A]AGACTGTGCTGGCCCGGCTGTCACAGCGCAGGGGCGTGGGGGCTGAACCAGAGAAGGGGG-3'
Protein context (NP_001358857.1, residues 1054-1074): LRCDSRASTV[Ser1064Leu]PGGYMVPKGT

ClinVar aggregate classification (germline): Uncertain significance (1 of 4 stars; one submission).

gnomAD v4.1: 5 of 1,598,288 alleles (0.00031%); highest among the groups gnomAD compares: Non-Finnish European, 0.00043%; no homozygotes.

Submission:

GeneDx
Classification: Uncertain significance. Last evaluated: 2025-02-10. Review status: criteria provided, single submitter. Criteria: GeneDx Variant Classification Process June 2021. Collection method: clinical testing. Allele origin: germline. Affected: yes.
Comment: Not observed at significant frequency in large population cohorts (gnomAD); In silico analysis indicates that this missense variant does not alter protein structure/function; Has not been previously published as pathogenic or benign to our knowledge